The following is an entry in ClinVar:

ClinVar aggregate classification (germline): Uncertain significance (1 of 4 stars; one submission).

gnomAD v4.1: 3 of 1,612,430 alleles (0.00019%); highest among the groups gnomAD compares: African/African-American, 0.0013%; no homozygotes.

Submission:

Labcorp Genetics (formerly Invitae), Labcorp
Classification: Uncertain significance. Last evaluated: 2025-08-04. Review status: criteria provided, single submitter. Criteria: Invitae Variant Classification Sherloc (09022015). Collection method: clinical testing. Allele origin: germline.
Comment: This sequence change replaces isoleucine, which is neutral and non-polar, with valine, which is neutral and non-polar, at codon 81 of the IL6ST protein (p.Ile81Val). This variant is not present in population databases (gnomAD no frequency). This variant has not been reported in the literature in individuals affected with IL6ST-related conditions. An algorithm developed to predict the effect of missense changes on protein structure and function outputs the following: PolyPhen-2: "Benign". The valine amino acid residue is found in multiple mammalian species, which suggests that this missense change does not adversely affect protein function. In summary, the available evidence is currently insufficient to determine the role of this variant in disease. Therefore, it has been classified as a Variant of Uncertain Significance.

NM_002184.4(IL6ST):c.241A>G (p.Ile81Val)

Gene: IL6ST (interleukin 6 cytokine family signal transducer; minus strand). Cytogenetic location: 5q11.2.
Variant type: single nucleotide variant.
Coding change: c.241A>G on transcript NM_002184.4 (MANE Select); coding-DNA position 241, A replaced by G.
Protein change: p.Ile81Val; replaces isoleucine 81 with valine.
Molecular consequence: missense variant. On other transcripts: 5 prime UTR variant (3), non-coding transcript variant (2), intron variant (1).
Genome position (GRCh38, 1-based): chr5:55,969,679, T>C on the plus strand (A>G on the coding strand, the complement: IL6ST is on the minus strand). VCF-style: chr5-55969679-T-C. GRCh37 (hg19) VCF-style: chr5-55265507-T-C.
Other names: c.241A>G, p.Ile81Val (NM_001190981.2, NM_001364275.2, NM_175767.3); c.-552A>G (NM_001364277.2, NM_001364279.2); c.-542A>G (NM_001364278.2); c.160+81A>G (NM_001364276.2); short protein forms I81V.
Identifiers: ClinVar variation 4801034 (VCV004801034.1).